The following is an entry in ClinVar:

ClinVar aggregate classification (germline): Pathogenic. Review status: criteria provided, multiple submitters, no conflicts (2 of 4 stars). 4 submissions from 4 submitters: Pathogenic (4). Last evaluated 2025-11-07.

Conditions:
Familial cancer of breast. Also called: BREAST CANCER, FAMILIAL; Hereditary breast cancer; hereditary breast carcinoma. Identifiers: Orphanet 227535, MedGen C0346153, MONDO:0016419, OMIM 114480. Disease mechanism: loss of function.
Hereditary cancer-predisposing syndrome. Also called: Neoplastic Syndromes, Hereditary; Hereditary Cancer Syndrome; Tumor predisposition; Hereditary neoplastic syndrome. Identifiers: Orphanet 140162, MedGen C0027672, MeSH D009386, MONDO:0015356.

Submissions (4):

Ambry Genetics
Classification: Pathogenic for Hereditary cancer-predisposing syndrome. Last evaluated: 2025-11-07. Review status: criteria provided, single submitter. Criteria: Ambry Variant Classification Scheme 2023. Collection method: clinical testing. Allele origin: germline.
Comment: The c.3332delC pathogenic mutation, located in coding exon 12 of the PALB2 gene, results from a deletion of one nucleotide at nucleotide position 3332, causing a translational frameshift with a predicted alternate stop codon (p.P1111Lfs*13). This alteration occurs at the 3' terminus of thePALB2 gene, is not expected to trigger nonsense-mediated mRNA decay, and only impacts the last 76 amino acids of the protein. However, premature stop codons are typically deleterious in nature and the impacted region is critical for protein function (Ambry internal data). This mutation has been previously reported in breast cancer cases, including male breast cancer (Lee JEA et al. J Pathol, 2018 05;245:53-60; Rizzolo P et al. Int J Cancer, 2019 07;145:390-400). Truncating mutations located downstream of this alteration have been identified in individuals with breast cancer, pancreatic cancer, and Fanconia anemia (Hofstatter EW et al. Fam. Cancer. 2011 Jun;10:225-31; Tischkowitz M et al. Hum. Mutat. 2012 Apr;33:674-80; Pritzlaff M et al. Breast Cancer Res. Treat. 2017 Feb;161:575-586; Dudley B et al. Cancer. 2018 Apr;124:1691-1700; Reid S et al. Nat. Genet. 2007 Feb;39:162-4). This variant is considered to be rare based on population cohorts in the Genome Aggregation Database (gnomAD). Based on the supporting evidence, this alteration is interpreted as a disease-causing mutation.

Labcorp Genetics (formerly Invitae), Labcorp
Classification: Pathogenic for Familial cancer of breast. Last evaluated: 2024-02-02. Review status: criteria provided, single submitter. Criteria: Invitae Variant Classification Sherloc (09022015). Collection method: clinical testing. Allele origin: germline.
Comment: This sequence change creates a premature translational stop signal (p.Pro1111Leufs*13) in the PALB2 gene. While this is not anticipated to result in nonsense mediated decay, it is expected to disrupt the last 76 amino acid(s) of the PALB2 protein. This variant is not present in population databases (gnomAD no frequency). This premature translational stop signal has been observed in individual(s) with breast cancer or male breast cancer (PMID: 29431189, 30613976). ClinVar contains an entry for this variant (Variation ID: 803231). This variant disrupts a region of the PALB2 protein in which other variant(s) (p.Tyr1183*) have been determined to be pathogenic (PMID: 17200671, 19609323, 20927582, 21165770, 21365267, 26283626, 26296701). This suggests that this is a clinically significant region of the protein, and that variants that disrupt it are likely to be disease-causing. For these reasons, this variant has been classified as Pathogenic.

Myriad Genetics, Inc.
Classification: Pathogenic for Familial cancer of breast. Last evaluated: 2023-09-15. Review status: criteria provided, single submitter. Criteria: Myriad Autosomal Dominant, Autosomal Recessive and X-Linked Classification Criteria (2023). Collection method: clinical testing. Allele origin: unknown.
Comment: This variant is considered pathogenic. This variant creates a frameshift predicted to result in premature protein truncation.

Mendelics
Classification: Pathogenic for Familial cancer of breast. Last evaluated: 2019-05-28. Review status: criteria provided, single submitter. Criteria: Mendelics Assertion Criteria 2017. Collection method: clinical testing. Allele origin: unknown.

Literature cited by the submitters: PubMed 29431189 (cited by Ambry Genetics and Labcorp Genetics (formerly Invitae), Labcorp); PubMed 30613976 (cited by Ambry Genetics and Labcorp Genetics (formerly Invitae), Labcorp); PubMed 17200671 (cited by Labcorp Genetics (formerly Invitae), Labcorp); PubMed 19609323 (cited by Labcorp Genetics (formerly Invitae), Labcorp); PubMed 20927582 (cited by Labcorp Genetics (formerly Invitae), Labcorp); PubMed 21165770 (cited by Labcorp Genetics (formerly Invitae), Labcorp); PubMed 21365267 (cited by Labcorp Genetics (formerly Invitae), Labcorp); PubMed 26283626 (cited by Labcorp Genetics (formerly Invitae), Labcorp); PubMed 26296701 (cited by Labcorp Genetics (formerly Invitae), Labcorp).

NM_024675.4(PALB2):c.3332del (p.Pro1111fs)

Gene: PALB2 (partner and localizer of BRCA2; minus strand). Cytogenetic location: 16p12.2.
Variant type: Deletion.
Coding change: c.3332del on transcript NM_024675.4 (MANE Select); coding-DNA position 3332, one base deleted (C; older notation c.3332delC).
Protein change: p.Pro1111fs; shifts the reading frame from proline 1111.
Molecular consequence: frameshift variant.
Genome position (GRCh38, 1-based): chr16:23,607,882, G deleted on the plus strand (C on the coding strand, the reverse complement: PALB2 is on the minus strand); the first of 2 consecutive G bases (chr16:23,607,882-23,607,883); deleting either gives the same sequence. VCF-style (leftmost placement, unchanged base first): chr16-23607881-AG-A. GRCh37 (hg19) VCF-style: chr16-23619202-AG-A.
Other names: c.3332delC (NM_024675.3); short protein forms P1111fs.
Identifiers: ClinVar variation 803231 (VCV000803231.16), dbSNP rs1597066595, ClinGen allele CA891842211.